The following is an entry in ClinVar:

NM_002474.3(MYH11):c.4954-5T>A

Genes: MYH11 (myosin heavy chain 11; minus strand), NDE1 (nudE neurodevelopment protein 1; plus strand). Cytogenetic location: 16p13.11.
Variant type: single nucleotide variant.
Coding change: c.4954-5T>A on transcript NM_002474.3 (MANE Select); 5 bases into the intron before coding-DNA position 4954, T replaced by A.
Molecular consequence: intron variant.
Genome position (GRCh38, 1-based): chr16:15,719,718, A>T on the plus strand (T>A on the coding strand, the complement: MYH11 is on the minus strand). VCF-style: chr16-15719718-A-T. GRCh37 (hg19) VCF-style: chr16-15813575-A-T.
Other names: c.948-4473A>T (NM_001143979.2, NM_017668.3); c.4954-5T>A (NM_022844.3); c.4975-5T>A (NM_001040114.2, NM_001040113.2).
Identifiers: ClinVar variation 3073840 (VCV003073840.1), dbSNP rs1418678410, ClinGen allele CA621064272.

ClinVar aggregate classification (germline): Uncertain significance (1 of 4 stars; one submission).

Conditions:
Familial thoracic aortic aneurysm and aortic dissection (TAAD). Also called: Thoracic aortic aneurysms and dissections. Identifiers: Orphanet 91387, MedGen C4707243, MONDO:0019625.

Allele frequency attached by ClinVar (database versions not stated): TOPMed 0.00002.
gnomAD v4.1: 2 of 1,614,012 alleles (0.00012%); highest among the groups gnomAD compares: African/African-American, 0.0027%; no homozygotes.

Submission:

All of Us Research Program, National Institutes of Health
Classification: Uncertain significance for Familial thoracic aortic aneurysm and aortic dissection. Last evaluated: 2023-10-06. Review status: criteria provided, single submitter. Criteria: ACMG Guidelines, 2015. Collection method: clinical testing. Allele origin: germline. Inheritance: Autosomal dominant inheritance. Observed: 1 variant allele, 1 heterozygote.
Comment: This variant causes a T to A nucleotide substitution at the -5 position of intron 35 of the MYH11 gene. Splice site prediction tools predict that this variant may impact RNA splicing. To our knowledge, functional studies have not been reported for this variant. This variant has not been reported in individuals affected with MYH11-related disorders in the literature. This variant has been identified in 1/251464 chromosomes in the general population by the Genome Aggregation Database (gnomAD). The available evidence is insufficient to determine the role of this variant in disease conclusively. Therefore, this variant is classified as a Variant of Uncertain Significance.

This study involves interpretation of variants in research participants for the purpose of population health screening. Participant phenotype was not available at the time of variant classification. Additional details can be found in publication PMID: 35346344, PMCID: PMC8962531